The following is an entry in ClinVar:

NM_018051.5(DYNC2I1):c.2372-9C>T

Gene: DYNC2I1 (dynein 2 intermediate chain 1; plus strand). Cytogenetic location: 7q36.3.
Variant type: single nucleotide variant.
Coding change: c.2372-9C>T on transcript NM_018051.5 (MANE Select); 9 bases into the intron before coding-DNA position 2372, C replaced by T.
Molecular consequence: intron variant.
Genome position (GRCh38, 1-based): chr7:158,926,393, C>T. VCF-style: chr7-158926393-C-T. GRCh37 (hg19) VCF-style: chr7-158719084-C-T.
Other names: c.2234-9C>T (NM_001350914.2); c.1124-9C>T (NM_001350918.2, NM_001350917.2); c.911-9C>T (NM_001350916.2); c.1799-9C>T (NM_001350915.2).
Identifiers: ClinVar variation 516206 (VCV000516206.13), dbSNP rs2244789, ClinGen allele CA4594977.

ClinVar aggregate classification (germline): Benign. Review status: criteria provided, multiple submitters, no conflicts (2 of 4 stars). 5 submissions from 5 submitters: Benign (5). Last evaluated 2026-02-04.

Conditions:
Short-rib thoracic dysplasia 8 with or without polydactyly (SRTD8). Also called: SHORT-RIB THORACIC DYSPLASIA 8 WITH POLYDACTYLY. Identifiers: Orphanet 93271, MedGen C3809691, MONDO:0014214, OMIM 615503.

Allele frequency attached by ClinVar (database versions not stated): ESP Exome Variant Server 0.76274; gnomAD 0.76494 and 0.76672; TOPMed 0.76621; 1000 Genomes Project 30x 0.77530; 1000 Genomes Project 0.78055; gnomAD exomes 0.78932 and 0.79534; ExAC 0.79308.
gnomAD v4.1: 1,267,646 of 1,609,942 alleles (79%); highest among the groups gnomAD compares: East Asian, 90%; 500,266 homozygotes.

Submissions (5):

Labcorp Genetics (formerly Invitae), Labcorp
Classification: Benign for Short-rib thoracic dysplasia 8 with or without polydactyly. Last evaluated: 2026-02-04. Review status: criteria provided, single submitter. Criteria: Invitae Variant Classification Sherloc (09022015). Collection method: clinical testing. Allele origin: germline.

Blueprint Genetics
Classification: Benign. Last evaluated: 2024-11-27. Review status: criteria provided, single submitter. Criteria: ACMG Guidelines, 2015. Collection method: clinical testing. Allele origin: germline.

Genome-Nilou Lab
Classification: Benign for Short-rib thoracic dysplasia 8 with or without polydactyly. Last evaluated: 2021-12-05. Review status: criteria provided, single submitter. Criteria: ACMG Guidelines, 2015. Collection method: clinical testing. Allele origin: germline. Affected: no.

GeneDx
Classification: Benign. Last evaluated: 2017-09-13. Review status: criteria provided, single submitter. Criteria: GeneDx Variant Classification (06012015). Collection method: clinical testing. Allele origin: germline. Affected: yes.
Comment: This variant is considered likely benign or benign based on one or more of the following criteria: it is a conservative change, it occurs at a poorly conserved position in the protein, it is predicted to be benign by multiple in silico algorithms, and/or has population frequency not consistent with disease.

Breakthrough Genomics
Classification: Benign. Review status: criteria provided, single submitter. Criteria: ACMG Guidelines, 2015. Collection method: not provided. Allele origin: germline. Inheritance: Autosomal recessive inheritance. Affected: yes.